The following is an entry in ClinVar:

ClinVar aggregate classification (germline): Benign (1 of 4 stars; one submission).

Conditions:
White sponge nevus 1. Also called: LEUKOKERATOSIS, HEREDITARY MUCOSAL. Identifiers: MedGen C4011926, MONDO:0008676, OMIM 193900.

Allele frequency attached by ClinVar (database versions not stated): gnomAD exomes below 0.00001 and 0.00002; ExAC 0.00002; TOPMed 0.00003; gnomAD 0.00004; 1000 Genomes Project 30x 0.00016; 1000 Genomes Project 0.00020.
gnomAD v4.1: 7 of 1,614,132 alleles (0.00043%); highest among the groups gnomAD compares: African/African-American, 0.0093%; no homozygotes.

Submission:

Illumina Laboratory Services, Illumina
Classification: Benign for White sponge nevus 1. Last evaluated: 2018-01-13. Review status: criteria provided, single submitter. Criteria: ICSL Variant Classification Criteria 13 December 2019. Collection method: clinical testing. Allele origin: germline.
Comment: This variant was observed in the ICSL laboratory as part of a predisposition screen in an ostensibly healthy population. It had not been previously curated by ICSL or reported in the Human Gene Mutation Database (HGMD: prior to June 1st, 2018), and was therefore a candidate for classification through an automated scoring system. Utilizing variant allele frequency, disease prevalence and penetrance estimates, and inheritance mode, an automated score was calculated to assess if this variant is too frequent to cause the disease. Based on the score and internal cut-off values, a variant classified as benign is not then subjected to further curation. The score for this variant resulted in a classification of benign for this disease.

NM_002272.4(KRT4):c.1512C>A (p.Gly504=)

Gene: KRT4 (keratin 4; minus strand). Cytogenetic location: 12q13.13.
Variant type: single nucleotide variant.
Coding change: c.1512C>A on transcript NM_002272.4 (MANE Select); coding-DNA position 1512, C replaced by A.
Protein change: p.Gly504=; no amino-acid change (glycine 504 retained).
Molecular consequence: synonymous variant.
Genome position (GRCh38, 1-based): chr12:52,807,120, G>T on the plus strand (C>A on the coding strand, the complement: KRT4 is on the minus strand). VCF-style: chr12-52807120-G-T. GRCh37 (hg19) VCF-style: chr12-53200904-G-T.
Identifiers: ClinVar variation 309666 (VCV000309666.5), dbSNP rs573971498, ClinGen allele CA6588358.
Genomic context (GRCh38, chr12:52,807,120, plus strand): 5'-TCGTCTCCTCTATCGTCTCTTGTTCAGGGTGGTGGTAGAGATGATCTTGCTGCTGGAACT[G>T]CCAGAGACACTGCCACCAAACCCAAAGCCACTTCCAGAGCCGGAGCCAAAGCCACTACTC-3'
Protein context (NP_002263.3, residues 494-514): SGFGFGGSVS[Gly504=]SSSSKIISTT